The following is an entry in ClinVar:

ClinVar aggregate classification (germline): Uncertain significance. Review status: criteria provided, multiple submitters, no conflicts (2 of 4 stars). 2 submissions from 2 submitters: Uncertain significance (2). Last evaluated 2025-06-09.

Conditions:
Cardiovascular phenotype. Identifiers: MedGen CN230736.

Allele frequency attached by ClinVar (database versions not stated): gnomAD exomes 0.00001.
gnomAD v4.1: 3 of 1,583,232 alleles (0.00019%); highest among the groups gnomAD compares: South Asian, 0.0035%; no homozygotes.

Submissions (2):

Ambry Genetics
Classification: Uncertain significance for Cardiovascular phenotype. Last evaluated: 2025-06-09. Review status: criteria provided, single submitter. Criteria: Ambry Variant Classification Scheme 2023. Collection method: clinical testing. Allele origin: germline.
Comment: The p.G632W variant (also known as c.1894G>T), located in coding exon 5 of the ALPK3 gene, results from a G to T substitution at nucleotide position 1894. The glycine at codon 632 is replaced by tryptophan, an amino acid with highly dissimilar properties. This amino acid position is conserved. In addition, this alteration is predicted to be tolerated by in silico analysis. Since supporting evidence is limited at this time, the clinical significance of this alteration remains unclear.

GeneDx
Classification: Uncertain significance. Last evaluated: 2019-09-03. Review status: criteria provided, single submitter. Criteria: GeneDx Variant Classification Process June 2021. Collection method: clinical testing. Allele origin: germline. Affected: yes.
Comment: Not observed in large population cohorts (Lek et al., 2016); In silico analysis, which includes protein predictors and evolutionary conservation, supports that this variant does not alter protein structure/function; Has not been previously published as pathogenic or benign to our knowledge

NM_020778.5(ALPK3):c.1288G>T (p.Gly430Trp)

Gene: ALPK3 (alpha kinase 3; plus strand). Cytogenetic location: 15q25.3.
Variant type: single nucleotide variant.
Coding change: c.1288G>T on transcript NM_020778.5 (MANE Select); coding-DNA position 1288, G replaced by T.
Protein change: p.Gly430Trp; replaces glycine 430 with tryptophan.
Molecular consequence: missense variant.
Genome position (GRCh38, 1-based): chr15:84,840,567, G>T. VCF-style: chr15-84840567-G-T. GRCh37 (hg19) VCF-style: chr15-85383798-G-T.
Other names: short protein forms G430W.
Identifiers: ClinVar variation 1311060 (VCV001311060.5), dbSNP rs2141557079, ClinGen allele CA393375278.